The following is an entry in ClinVar:

ClinVar aggregate classification (germline): Benign/Likely benign. Review status: criteria provided, multiple submitters, no conflicts (2 of 4 stars). 7 submissions from 7 submitters: Benign (3); Likely benign (3). 1 of the submissions does not count toward it. Last evaluated 2026-01-26.

Conditions:
ADGRV1-related disorder. Also called: ADGRV1-related disorders; ADGRV1-related condition.

Allele frequency attached by ClinVar (database versions not stated): gnomAD exomes 0.00018 and 0.00050; ExAC 0.00064; gnomAD 0.00166 and 0.00178; TOPMed 0.00184; 1000 Genomes Project 0.00200; ESP Exome Variant Server 0.00208; 1000 Genomes Project 30x 0.00250.
gnomAD v4.1: 527 of 1,613,360 alleles (0.033%); highest among the groups gnomAD compares: African/African-American, 0.6%; 1 homozygote.

Submissions (7):

Labcorp Genetics (formerly Invitae), Labcorp
Classification: Benign. Last evaluated: 2026-01-26. Review status: criteria provided, single submitter. Criteria: Invitae Variant Classification Sherloc (09022015). Collection method: clinical testing. Allele origin: germline.

Blueprint Genetics
Classification: Likely benign. Last evaluated: 2024-09-09. Review status: criteria provided, single submitter. Criteria: ACMG Guidelines, 2015. Collection method: clinical testing. Allele origin: germline.

GeneDx
Classification: Benign. Last evaluated: 2019-03-14. Review status: criteria provided, single submitter. Criteria: GeneDx Variant Classification Process June 2021. Collection method: clinical testing. Allele origin: germline. Affected: yes.

Athena Diagnostics
Classification: Likely benign. Last evaluated: 2018-05-01. Review status: criteria provided, single submitter. Criteria: Athena Diagnostics Criteria. Collection method: clinical testing. Allele origin: germline.

Eurofins Ntd Llc (ga)
Classification: Likely benign. Last evaluated: 2015-08-10. Review status: criteria provided, single submitter. Criteria: EGL Classification Definitions 2015. Collection method: clinical testing. Allele origin: germline. Observed: 1 variant allele, 1 heterozygote.

Laboratory for Molecular Medicine, Mass General Brigham Personalized Medicine
Classification: Benign. Last evaluated: 2012-04-30. Review status: criteria provided, single submitter. Criteria: LMM Criteria. Collection method: clinical testing. Allele origin: germline. Observed: 3 variant alleles.
Comment: Leu2696Leu in Exon 34 of GPR98: This variant is not expected to have clinical si gnificance because it does not alter an amino acid residue, is not located withi n the splice consensus sequence, and has been identified in 0.6% (20/3106) of Af rican American chromosomes from a broad population by the NHLBI Exome Sequencing Project.

PreventionGenetics, part of Exact Sciences
Classification: Likely benign for ADGRV1-related condition. Last evaluated: 2019-08-30. Review status: no assertion criteria provided. Collection method: clinical testing. Allele origin: germline. Not counted in ClinVar's aggregate classification.
Comment: This variant is classified as likely benign based on ACMG/AMP sequence variant interpretation guidelines (Richards et al. 2015 PMID: 25741868, with internal and published modifications).

NM_032119.4(ADGRV1):c.8088G>A (p.Leu2696=)

Gene: ADGRV1 (adhesion G protein-coupled receptor V1; plus strand). Cytogenetic location: 5q14.3.
Variant type: single nucleotide variant.
Coding change: c.8088G>A on transcript NM_032119.4 (MANE Select); coding-DNA position 8088, G replaced by A.
Protein change: p.Leu2696=; no amino-acid change (leucine 2696 retained).
Molecular consequence: synonymous variant. On other transcripts: non-coding transcript variant (1).
Genome position (GRCh38, 1-based): chr5:90,697,079, G>A. VCF-style: chr5-90697079-G-A. GRCh37 (hg19) VCF-style: chr5-89992896-G-A.
Identifiers: ClinVar variation 163585 (VCV000163585.24), dbSNP rs373069459, ClinGen allele CA176201.